The following is an entry in ClinVar:

ClinVar aggregate classification (germline): Likely benign. Review status: criteria provided, multiple submitters, no conflicts (2 of 4 stars). 2 submissions from 2 submitters: Likely benign (2). Last evaluated 2025-09-04.

Conditions:
OCA2-related disorder. Also called: OCA2-related condition.

Allele frequency attached by ClinVar (database versions not stated): ExAC 0.00001; gnomAD 0.00001; TOPMed 0.00001.
gnomAD v4.1: 10 of 1,599,284 alleles (0.00063%); highest among the groups gnomAD compares: Admixed American, 0.0017%; no homozygotes.

Submissions (2):

PreventionGenetics, part of Exact Sciences
Classification: Likely benign for OCA2-related condition. Last evaluated: 2025-09-04. Review status: criteria provided, single submitter. Criteria: ACMG Guidelines, 2015. Collection method: clinical testing. Allele origin: germline.
Comment: This variant is classified as likely benign based on ACMG/AMP sequence variant interpretation guidelines (Richards et al. 2015 PMID: 25741868, with internal and published modifications).

Labcorp Genetics (formerly Invitae), Labcorp
Classification: Likely benign. Last evaluated: 2024-02-16. Review status: criteria provided, single submitter. Criteria: Invitae Variant Classification Sherloc (09022015). Collection method: clinical testing. Allele origin: germline.

NM_000275.3(OCA2):c.2245-19A>G

Gene: OCA2 (OCA2 melanosomal transmembrane protein; minus strand). Cytogenetic location: 15q13.1.
Variant type: single nucleotide variant.
Coding change: c.2245-19A>G on transcript NM_000275.3 (MANE Select); 19 bases into the intron before coding-DNA position 2245, A replaced by G.
Molecular consequence: intron variant.
Genome position (GRCh38, 1-based): chr15:27,851,494, T>C on the plus strand (A>G on the coding strand, the complement: OCA2 is on the minus strand). VCF-style: chr15-27851494-T-C. GRCh37 (hg19) VCF-style: chr15-28096640-T-C.
Other names: c.2245-19A>G (NM_000275.2); c.2173-19A>G (NM_001300984.2).
Identifiers: ClinVar variation 1950542 (VCV001950542.6), dbSNP rs759814405, ClinGen allele CA7438676.